The following is an entry in ClinVar:

NM_025114.4(CEP290):c.4948G>T (p.Asp1650Tyr)

Gene: CEP290 (centrosomal protein 290; minus strand). Cytogenetic location: 12q21.32.
Variant type: single nucleotide variant.
Coding change: c.4948G>T on transcript NM_025114.4 (MANE Select); coding-DNA position 4948, G replaced by T.
Protein change: p.Asp1650Tyr; replaces aspartic acid 1650 with tyrosine.
Molecular consequence: missense variant.
Genome position (GRCh38, 1-based): chr12:88,083,095, C>A on the plus strand (G>T on the coding strand, the complement: CEP290 is on the minus strand). VCF-style: chr12-88083095-C-A. GRCh37 (hg19) VCF-style: chr12-88476872-C-A.
Other names: short protein forms D1650Y.
Identifiers: ClinVar variation 1513833 (VCV001513833.6), dbSNP rs368057362, ClinGen allele CA241156642.
Genomic context (GRCh38, chr12:88,083,095, plus strand): 5'-ATTTGATATTTTCAAATTCTTTTACTTTTAATTCAGTGATTTCTCTTTGTCTCTCCAAAT[C>A]TTGTGATACTTTCTTTAGTTTGACCAAGAGTGAGGAAAGAGAGTCATCTTGTTCTGCTAC-3'
Protein context (NP_079390.3, residues 1640-1660): LLVKLKKVSQ[Asp1650Tyr]LERQREITEL

ClinVar aggregate classification (germline): Uncertain significance (1 of 4 stars; one submission).

Conditions:
Nephronophthisis. Also called: Juvenile Nephronophthisis. Identifiers: Orphanet 655, MedGen C0687120, MONDO:0019005, HP:0000090.
Meckel-Gruber syndrome. Also called: DYSENCEPHALIA SPLANCHNOCYSTICA; GRUBER SYNDROME; Dysencephalia splachnocystica. Identifiers: Orphanet 564, MedGen C0265215, MONDO:0018921.
Joubert syndrome. Also called: CEREBELLOPARENCHYMAL DISORDER IV; JOUBERT-BOLTSHAUSER SYNDROME; Familial aplasia of the vermis. Identifiers: Orphanet 475, MedGen C5979921, MONDO:0018772.

Allele frequency attached by ClinVar (database versions not stated): gnomAD 0.00001; TOPMed 0.00001; ESP Exome Variant Server 0.00008.

Submission:

Labcorp Genetics (formerly Invitae), Labcorp
Classification: Uncertain significance for Joubert syndrome; Meckel-Gruber syndrome; Nephronophthisis. Last evaluated: 2024-02-23. Review status: criteria provided, single submitter. Criteria: Invitae Variant Classification Sherloc (09022015). Collection method: clinical testing. Allele origin: germline.
Comment: This sequence change replaces aspartic acid, which is acidic and polar, with tyrosine, which is neutral and polar, at codon 1650 of the CEP290 protein (p.Asp1650Tyr). This variant is not present in population databases (gnomAD no frequency). This variant has not been reported in the literature in individuals affected with CEP290-related conditions. ClinVar contains an entry for this variant (Variation ID: 1513833). Advanced modeling of protein sequence and biophysical properties (such as structural, functional, and spatial information, amino acid conservation, physicochemical variation, residue mobility, and thermodynamic stability) has been performed at Invitae for this missense variant, however the output from this modeling did not meet the statistical confidence thresholds required to predict the impact of this variant on CEP290 protein function. In summary, the available evidence is currently insufficient to determine the role of this variant in disease. Therefore, it has been classified as a Variant of Uncertain Significance.